The following is an entry in ClinVar:

NM_020693.4(DSCAML1):c.1435G>A (p.Asp479Asn)

Gene: DSCAML1 (DS cell adhesion molecule like 1; minus strand). Cytogenetic location: 11q23.3.
Variant type: single nucleotide variant.
Coding change: c.1435G>A on transcript NM_020693.4 (MANE Select); coding-DNA position 1435, G replaced by A.
Protein change: p.Asp479Asn; replaces aspartic acid 479 with asparagine.
Molecular consequence: missense variant.
Genome position (GRCh38, 1-based): chr11:117,518,541, C>T on the plus strand (G>A on the coding strand, the complement: DSCAML1 is on the minus strand). VCF-style: chr11-117518541-C-T. GRCh37 (hg19) VCF-style: chr11-117389256-C-T.
Other names: c.1435G>A, p.Asp479Asn (NM_001367904.1); c.1027G>A, p.Asp343Asn (NM_001367905.1); short protein forms D343N, D479N.
Identifiers: ClinVar variation 1440257 (VCV001440257.6), dbSNP rs200319287, ClinGen allele CA6297263.

ClinVar aggregate classification (germline): Uncertain significance (1 of 4 stars; one submission).

Allele frequency attached by ClinVar (database versions not stated): ExAC 0.00001; gnomAD exomes 0.00002; TOPMed 0.00002; gnomAD 0.00004; ESP Exome Variant Server 0.00008.
gnomAD v4.1: 39 of 1,614,080 alleles (0.0024%); highest among the groups gnomAD compares: South Asian, 0.0022%; no homozygotes.

Submission:

Labcorp Genetics (formerly Invitae), Labcorp
Classification: Uncertain significance. Last evaluated: 2025-12-11. Review status: criteria provided, single submitter. Criteria: Invitae Variant Classification Sherloc (09022015). Collection method: clinical testing. Allele origin: germline.
Comment: This sequence change replaces aspartic acid, which is acidic and polar, with asparagine, which is neutral and polar, at codon 539 of the DSCAML1 protein (p.Asp539Asn). This variant is present in population databases (rs200319287, gnomAD 0.02%). This variant has not been reported in the literature in individuals affected with DSCAML1-related conditions. ClinVar contains an entry for this variant (Variation ID: 1440257). An algorithm developed to predict the effect of missense changes on protein structure and function (PolyPhen-2) suggests that this variant is likely to be disruptive. In summary, the available evidence is currently insufficient to determine the role of this variant in disease. Therefore, it has been classified as a Variant of Uncertain Significance.